The following is an entry in ClinVar:

ClinVar aggregate classification (germline): Likely pathogenic (1 of 4 stars; one submission).

Conditions:
LAMA2-related muscular dystrophy (LAMA2-RD). Also called: Laminin alpha 2-related dystrophy. Identifiers: MedGen C5679788, MONDO:0100228.

Submission:

Myriad Genetics, Inc.
Classification: Likely pathogenic for LAMA2-related muscular dystrophy. Last evaluated: 2022-04-20. Review status: criteria provided, single submitter. Criteria: Myriad Autosomal Dominant, Autosomal Recessive and X-Linked Classification Criteria (2023). Collection method: clinical testing. Allele origin: unknown.
Comment: NM_000426.3(LAMA2):c.1097T>A(L366*) is expected to be pathogenic in the context of muscular dystrophy, LAMA2-related. This variant is predicted to lead to an abnormal or absent protein product due to the creation of a premature termination codon in LAMA2, a gene where loss-of-function variants are known to be pathogenic. Please note: this variant was assessed in the context of healthy population screening.

NM_000426.4(LAMA2):c.1097T>A (p.Leu366Ter)

Gene: LAMA2 (laminin subunit alpha 2; plus strand). Cytogenetic location: 6q22.33.
Variant type: single nucleotide variant.
Coding change: c.1097T>A on transcript NM_000426.4 (MANE Select); coding-DNA position 1097, T replaced by A.
Protein change: p.Leu366Ter; replaces leucine 366 with a stop codon.
Molecular consequence: nonsense.
Genome position (GRCh38, 1-based): chr6:129,154,574, T>A. VCF-style: chr6-129154574-T-A. GRCh37 (hg19) VCF-style: chr6-129475719-T-A.
Other names: c.1097T>A, p.Leu366Ter (NM_001079823.2); short protein forms L366*.
Identifiers: ClinVar variation 1725940 (VCV001725940.3), dbSNP rs2482625026, ClinGen allele CA365606911.